The following is an entry in ClinVar:

NM_000375.3(UROS):c.413C>A (p.Pro138His)

Gene: UROS (uroporphyrinogen III synthase; minus strand). Cytogenetic location: 10q26.2.
Variant type: single nucleotide variant.
Coding change: c.413C>A on transcript NM_000375.3 (MANE Select); coding-DNA position 413, C replaced by A.
Protein change: p.Pro138His; replaces proline 138 with histidine.
Molecular consequence: missense variant. On other transcripts: non-coding transcript variant (4), intron variant (2).
Genome position (GRCh38, 1-based): chr10:125,798,127, G>T on the plus strand (C>A on the coding strand, the complement: UROS is on the minus strand). VCF-style: chr10-125798127-G-T. GRCh37 (hg19) VCF-style: chr10-127486696-G-T.
Other names: c.413C>A, p.Pro138His (NM_001324036.2); c.395-1939C>A (NM_001324038.2, NM_001324037.2); c.413C>A (NM_000375.2); short protein forms P138H.
Identifiers: ClinVar variation 3000489 (VCV003000489.4), dbSNP rs2493886712, ClinGen allele CA378687999.

ClinVar aggregate classification (germline): Uncertain significance. Review status: criteria provided, multiple submitters, no conflicts (2 of 4 stars). 2 submissions from 2 submitters: Uncertain significance (2). Last evaluated 2024-06-07.

Conditions:
Inborn genetic diseases. Identifiers: MedGen C0950123, MeSH D030342.

Allele frequency attached by ClinVar (database versions not stated): gnomAD exomes below 0.00001.
gnomAD v4.1: 2 of 1,613,970 alleles (0.00012%); highest among the groups gnomAD compares: Non-Finnish European, 0.00017%; no homozygotes.

Submissions (2):

Ambry Genetics
Classification: Uncertain significance for Inborn genetic diseases. Last evaluated: 2024-06-07. Review status: criteria provided, single submitter. Criteria: Ambry Variant Classification Scheme 2023. Collection method: clinical testing. Allele origin: germline.

Labcorp Genetics (formerly Invitae), Labcorp
Classification: Uncertain significance. Last evaluated: 2023-04-17. Review status: criteria provided, single submitter. Criteria: Invitae Variant Classification Sherloc (09022015). Collection method: clinical testing. Allele origin: germline.
Comment: In summary, the available evidence is currently insufficient to determine the role of this variant in disease. Therefore, it has been classified as a Variant of Uncertain Significance. Advanced modeling of protein sequence and biophysical properties (such as structural, functional, and spatial information, amino acid conservation, physicochemical variation, residue mobility, and thermodynamic stability) has been performed at Invitae for this missense variant, however the output from this modeling did not meet the statistical confidence thresholds required to predict the impact of this variant on UROS protein function. This missense change has been observed in individual(s) with clinical features of congenital erythropoietic porphyria (Invitae). In at least one individual the data is consistent with being in trans (on the opposite chromosome) from a pathogenic variant. This variant is not present in population databases (gnomAD no frequency). This sequence change replaces proline, which is neutral and non-polar, with histidine, which is basic and polar, at codon 138 of the UROS protein (p.Pro138His).